The following is an entry in ClinVar:

ClinVar aggregate classification (germline): Conflicting classifications of pathogenicity. Review status: criteria provided, conflicting classifications (1 of 4 stars). 6 submissions from 6 submitters: Likely pathogenic (3); Uncertain significance (2). 1 of the submissions does not count toward it. Last evaluated 2025-08-21.

Conditions:
Leukoencephalopathy, acute reversible, with increased urinary alpha-ketoglutarate. Identifiers: Orphanet 615964, MedGen C5193068, MONDO:0032716, OMIM 618384.

Allele frequency attached by ClinVar (database versions not stated): 1000 Genomes Project 30x 0.00016; 1000 Genomes Project 0.00020; ESP Exome Variant Server 0.00054; TOPMed 0.00056; gnomAD 0.00074 and 0.00078; gnomAD exomes 0.00080 and 0.00132; ExAC 0.00090.
gnomAD v4.1: 1,996 of 1,612,876 alleles (0.12%); highest among the groups gnomAD compares: Non-Finnish European, 0.16%; 2 homozygotes.

Submissions (6):

First Genomix Gene Laboratory, Genetic Diagnostics Department
Classification: Likely pathogenic for Leukoencephalopathy, acute reversible, with increased urinary alpha-ketoglutarate. Last evaluated: 2025-08-21. Review status: criteria provided, single submitter. Criteria: ACMG Guidelines, 2015. Collection method: clinical testing. Allele origin: germline. Inheritance: Autosomal recessive inheritance. Affected: no. Observed: 1 variant allele.

CeGaT Center for Human Genetics Tuebingen
Classification: Likely pathogenic. Last evaluated: 2024-12-01. Review status: criteria provided, single submitter. Criteria: CeGaT Center For Human Genetics Tuebingen Variant Classification Criteria Version 2. Collection method: clinical testing. Allele origin: germline. Affected: yes. Observed: 3 variant alleles.
Comment: SLC13A3: PM2, PM3, PP3, PS3:Supporting

Labcorp Genetics (formerly Invitae), Labcorp
Classification: Uncertain significance. Last evaluated: 2024-01-19. Review status: criteria provided, single submitter. Criteria: Invitae Variant Classification Sherloc (09022015). Collection method: clinical testing. Allele origin: germline.
Comment: This sequence change falls in intron 7 of the SLC13A3 gene. It does not directly change the encoded amino acid sequence of the SLC13A3 protein. It affects a nucleotide within the consensus splice site. This variant is present in population databases (rs199961976, gnomAD 0.2%), and has an allele count higher than expected for a pathogenic variant. This variant has not been reported in the literature in individuals affected with SLC13A3-related conditions. ClinVar contains an entry for this variant (Variation ID: 625426). Variants that disrupt the consensus splice site are a relatively common cause of aberrant splicing (PMID: 17576681, 9536098). Algorithms developed to predict the effect of sequence changes on RNA splicing suggest that this variant may disrupt the consensus splice site. In summary, the available evidence is currently insufficient to determine the role of this variant in disease. Therefore, it has been classified as a Variant of Uncertain Significance.

GeneDx
Classification: Uncertain significance. Last evaluated: 2023-12-21. Review status: criteria provided, single submitter. Criteria: GeneDx Variant Classification Process June 2021. Collection method: clinical testing. Allele origin: germline. Affected: yes.
Comment: Observed in the compound heterozygous state in an individual with acute reversible leukoencephalopathy with increased urinary alpha-ketoglutarate in published literature (PMID: 30635937); Published functional studies of patient-derived tissue suggest this variant may disrupt normal gene splicing (PMID: 30635937); In silico analysis supports a deleterious effect on splicing; Variants in candidate genes are classified as variants of uncertain significance in accordance with ACMG guidelines (PMID: 25741868); This variant is associated with the following publications: (PMID: 34426522, 30635937)

Institute of Medical Genetics and Applied Genomics, University Hospital Tübingen
Classification: Likely pathogenic for Leukoencephalopathy, acute reversible, with increased urinary alpha-ketoglutarate. Last evaluated: 2023-11-30. Review status: criteria provided, single submitter. Criteria: ACMG Guidelines, 2015. Collection method: clinical testing. Allele origin: germline. Inheritance: Autosomal recessive inheritance. Affected: yes.

OMIM
Classification: Pathogenic for LEUKOENCEPHALOPATHY, ACUTE REVERSIBLE, WITH INCREASED URINARY ALPHA-KETOGLUTARATE. Last evaluated: 2019-04-12. Review status: no assertion criteria provided. Collection method: literature only. Allele origin: germline. Not counted in ClinVar's aggregate classification.

Literature cited by the submitters: PubMed 17576681 (cited by Labcorp Genetics (formerly Invitae), Labcorp); PubMed 9536098 (cited by Labcorp Genetics (formerly Invitae), Labcorp); PubMed 30635937 (cited by OMIM).

NM_022829.6(SLC13A3):c.1016+3A>G

Gene: SLC13A3 (solute carrier family 13 member 3; minus strand). Cytogenetic location: 20q13.12.
Variant type: single nucleotide variant.
Coding change: c.1016+3A>G on transcript NM_022829.6 (MANE Select); 3 bases into the intron after coding-DNA position 1016, A replaced by G.
Molecular consequence: intron variant.
Genome position (GRCh38, 1-based): chr20:46,589,157, T>C on the plus strand (A>G on the coding strand, the complement: SLC13A3 is on the minus strand). VCF-style: chr20-46589157-T-C. GRCh37 (hg19) VCF-style: chr20-45217796-T-C.
Other names: IVS7DS, A-G, +3; c.875+3A>G (NM_001193340.2, NM_001011554.3); c.722+3A>G (NM_001193342.2); c.866+3A>G (NM_001193339.2).
Identifiers: ClinVar variation 625426 (VCV000625426.32), dbSNP rs199961976, ClinGen allele CA9891449.